The following is an entry in ClinVar:

NM_000234.3(LIG1):c.1100A>T (p.Glu367Val)

Gene: LIG1 (DNA ligase 1; minus strand). Cytogenetic location: 19q13.33.
Variant type: single nucleotide variant.
Coding change: c.1100A>T on transcript NM_000234.3 (MANE Select); coding-DNA position 1100, A replaced by T.
Protein change: p.Glu367Val; replaces glutamic acid 367 with valine.
Molecular consequence: missense variant. On other transcripts: non-coding transcript variant (6).
Genome position (GRCh38, 1-based): chr19:48,137,676, T>A on the plus strand (A>T on the coding strand, the complement: LIG1 is on the minus strand). VCF-style: chr19-48137676-T-A. GRCh37 (hg19) VCF-style: chr19-48640933-T-A.
Other names: c.1007A>T, p.Glu336Val (NM_001289063.2); c.896A>T, p.Glu299Val (NM_001289064.2); c.1097A>T, p.Glu366Val (NM_001320970.2); c.1010A>T, p.Glu337Val (NM_001320971.2); short protein forms E299V, E336V, E337V, E367V, E366V.
Identifiers: ClinVar variation 2130268 (VCV002130268.4), dbSNP rs1159613046, ClinGen allele CA406649695.

ClinVar aggregate classification (germline): Uncertain significance (1 of 4 stars; one submission).

Submission:

Labcorp Genetics (formerly Invitae), Labcorp
Classification: Uncertain significance. Last evaluated: 2022-04-24. Review status: criteria provided, single submitter. Criteria: Invitae Variant Classification Sherloc (09022015). Collection method: clinical testing. Allele origin: germline.
Comment: In summary, the available evidence is currently insufficient to determine the role of this variant in disease. Therefore, it has been classified as a Variant of Uncertain Significance. Algorithms developed to predict the effect of missense changes on protein structure and function (SIFT, PolyPhen-2, Align-GVGD) all suggest that this variant is likely to be tolerated. This variant has not been reported in the literature in individuals affected with LIG1-related conditions. This variant is not present in population databases (gnomAD no frequency). This sequence change replaces glutamic acid, which is acidic and polar, with valine, which is neutral and non-polar, at codon 367 of the LIG1 protein (p.Glu367Val).